The following is an entry in ClinVar:

ClinVar aggregate classification (germline): Uncertain significance (1 of 4 stars; one submission).

Conditions:
CHARGE syndrome (CHARGE). Also called: Hittner Hirsch Kreh syndrome; CHARGE ASSOCIATION--COLOBOMA, HEART ANOMALY, CHOANAL ATRESIA, RETARDATION, GENITAL AND EAR ANOMALIES; Coloboma, heart anomaly, choanal atresia, retardation, genital and ear anomalies; CHARGE association; Hall-Hittner syndrome. Identifiers: Orphanet 138, MedGen C0265354, MONDO:0008965.

Submission:

Labcorp Genetics (formerly Invitae), Labcorp
Classification: Uncertain significance for CHARGE syndrome. Last evaluated: 2023-06-21. Review status: criteria provided, single submitter. Criteria: Invitae Variant Classification Sherloc (09022015). Collection method: clinical testing. Allele origin: germline.
Comment: In summary, the available evidence is currently insufficient to determine the role of this variant in disease. Therefore, it has been classified as a Variant of Uncertain Significance. An algorithm developed to predict the effect of missense changes on protein structure and function (PolyPhen-2) suggests that this variant is likely to be tolerated. This variant has not been reported in the literature in individuals affected with SEMA3E-related conditions. This variant is not present in population databases (gnomAD no frequency). This sequence change replaces leucine, which is neutral and non-polar, with arginine, which is basic and polar, at codon 19 of the SEMA3E protein (p.Leu19Arg).

NM_012431.3(SEMA3E):c.56T>G (p.Leu19Arg)

Gene: SEMA3E (semaphorin 3E; minus strand). Cytogenetic location: 7q21.11.
Variant type: single nucleotide variant.
Coding change: c.56T>G on transcript NM_012431.3 (MANE Select); coding-DNA position 56, T replaced by G.
Protein change: p.Leu19Arg; replaces leucine 19 with arginine.
Molecular consequence: missense variant.
Genome position (GRCh38, 1-based): chr7:83,648,487, A>C on the plus strand (T>G on the coding strand, the complement: SEMA3E is on the minus strand). VCF-style: chr7-83648487-A-C. GRCh37 (hg19) VCF-style: chr7-83277803-A-C.
Other names: short protein forms L19R.
Identifiers: ClinVar variation 2720142 (VCV002720142.3), dbSNP rs2484313779, ClinGen allele CA368021213.